The following is an entry in ClinVar:

NM_013432.5(TONSL):c.2089C>T (p.Pro697Ser)

Genes: TONSL (tonsoku like, DNA repair protein; minus strand), TONSL-AS1 (TONSL antisense RNA 1; plus strand). Cytogenetic location: 8q24.3.
Variant type: single nucleotide variant.
Coding change: c.2089C>T on transcript NM_013432.5 (MANE Select); coding-DNA position 2089, C replaced by T.
Protein change: p.Pro697Ser; replaces proline 697 with serine.
Molecular consequence: missense variant.
Genome position (GRCh38, 1-based): chr8:144,436,344, G>A on the plus strand (C>T on the coding strand, the complement: TONSL is on the minus strand). VCF-style: chr8-144436344-G-A. GRCh37 (hg19) VCF-style: chr8-145661727-G-A.
Other names: short protein forms P697S.
Identifiers: ClinVar variation 2076596 (VCV002076596.3), dbSNP rs766934115, ClinGen allele CA4942918.
Genomic context (GRCh38, chr8:144,436,344, plus strand): 5'-TGACATGGGCCTGAGAGGCCTCTGGGAGTCTAGTGCTATTAGAGGGGGGTTCTGGGCAGG[G>A]GCTCAAAGGAGGAGAGGTCTCGGGGTCAAACAGAAGGCTGCTTGGGGTGTGGAAGGCCTG-3'
Protein context (NP_038460.4, residues 687-707): FDPETSPPLS[Pro697Ser]CPEPPSNSTR

ClinVar aggregate classification (germline): Uncertain significance. Review status: criteria provided, multiple submitters, no conflicts (2 of 4 stars). 2 submissions from 2 submitters: Uncertain significance (2). Last evaluated 2023-12-11.

Conditions:
Inborn genetic diseases. Identifiers: MedGen C0950123, MeSH D030342.

Allele frequency attached by ClinVar (database versions not stated): gnomAD exomes 0.00005; TOPMed 0.00005; ExAC 0.00015.

Submissions (2):

Labcorp Genetics (formerly Invitae), Labcorp
Classification: Uncertain significance. Last evaluated: 2023-12-11. Review status: criteria provided, single submitter. Criteria: Invitae Variant Classification Sherloc (09022015). Collection method: clinical testing. Allele origin: germline.
Comment: This sequence change replaces proline, which is neutral and non-polar, with serine, which is neutral and polar, at codon 697 of the TONSL protein (p.Pro697Ser). This variant is present in population databases (rs766934115, gnomAD 0.09%). This variant has not been reported in the literature in individuals affected with TONSL-related conditions. ClinVar contains an entry for this variant (Variation ID: 2076596). Advanced modeling of protein sequence and biophysical properties (such as structural, functional, and spatial information, amino acid conservation, physicochemical variation, residue mobility, and thermodynamic stability) performed at Invitae indicates that this missense variant is not expected to disrupt TONSL protein function with a negative predictive value of 80%. In summary, the available evidence is currently insufficient to determine the role of this variant in disease. Therefore, it has been classified as a Variant of Uncertain Significance.

Ambry Genetics
Classification: Uncertain significance for Inborn genetic diseases. Last evaluated: 2021-12-17. Review status: criteria provided, single submitter. Criteria: Ambry Variant Classification Scheme 2023. Collection method: clinical testing. Allele origin: germline.